The following is an entry in ClinVar:

NM_002878.4(RAD51D):c.334G>C (p.Gly112Arg)

Genes: RAD51D (RAD51 paralog D; minus strand), RAD51L3-RFFL (RAD51L3-RFFL readthrough; minus strand). Cytogenetic location: 17q12.
Variant type: single nucleotide variant.
Coding change: c.334G>C on transcript NM_002878.4 (MANE Select); coding-DNA position 334, G replaced by C.
Protein change: p.Gly112Arg; replaces glycine 112 with arginine.
Molecular consequence: missense variant. On other transcripts: non-coding transcript variant (2), intron variant (1).
Genome position (GRCh38, 1-based): chr17:35,107,377, C>G on the plus strand (G>C on the coding strand, the complement: RAD51D is on the minus strand). VCF-style: chr17-35107377-C-G. GRCh37 (hg19) VCF-style: chr17-33434396-C-G.
Other names: c.394G>C, p.Gly132Arg (NM_001142571.2); c.145-896G>C (NM_133629.3); short protein forms G112R, G132R.
Identifiers: ClinVar variation 3710494 (VCV003710494.2).

ClinVar aggregate classification (germline): Uncertain significance (1 of 4 stars; one submission).

Conditions:
Breast-ovarian cancer, familial, susceptibility to, 4. Identifiers: Orphanet 145, MedGen C3280345, MONDO:0013669, OMIM 614291.

Submission:

Labcorp Genetics (formerly Invitae), Labcorp
Classification: Uncertain significance for Breast-ovarian cancer, familial, susceptibility to, 4. Last evaluated: 2024-11-11. Review status: criteria provided, single submitter. Criteria: Invitae Variant Classification Sherloc (09022015). Collection method: clinical testing. Allele origin: germline.
Comment: This sequence change replaces glycine, which is neutral and non-polar, with arginine, which is basic and polar, at codon 112 of the RAD51D protein (p.Gly112Arg). This variant is not present in population databases (gnomAD no frequency). This variant has not been reported in the literature in individuals affected with RAD51D-related conditions. Invitae Evidence Modeling of protein sequence and biophysical properties (such as structural, functional, and spatial information, amino acid conservation, physicochemical variation, residue mobility, and thermodynamic stability) indicates that this missense variant is expected to disrupt RAD51D protein function with a positive predictive value of 80%. In summary, the available evidence is currently insufficient to determine the role of this variant in disease. Therefore, it has been classified as a Variant of Uncertain Significance.